The following is an entry in ClinVar:

NM_198965.2(PTHLH):c.525G>A (p.Arg175=)

Gene: PTHLH (parathyroid hormone like hormone; minus strand). Cytogenetic location: 12p11.22.
Variant type: single nucleotide variant.
Coding change: c.525G>A on transcript NM_198965.2 (MANE Select); coding-DNA position 525, G replaced by A.
Protein change: p.Arg175=; no amino-acid change (arginine 175 retained).
Molecular consequence: synonymous variant.
Genome position (GRCh38, 1-based): chr12:27,958,568, C>T on the plus strand (G>A on the coding strand, the complement: PTHLH is on the minus strand). VCF-style: chr12-27958568-C-T. GRCh37 (hg19) VCF-style: chr12-28111501-C-T.
Other names: c.525G>A, p.Arg175= (NM_198966.2).
Identifiers: ClinVar variation 2888878 (VCV002888878.3), dbSNP rs2062729969, ClinGen allele CA479078803.

ClinVar aggregate classification (germline): Uncertain significance (1 of 4 stars; one submission).

Allele frequency attached by ClinVar (database versions not stated): gnomAD exomes below 0.00001; TOPMed below 0.00001.
gnomAD v4.1: 1 of 1,572,154 alleles (0.000064%); highest among the groups gnomAD compares: Non-Finnish European, 0.000086%; no homozygotes.

Submission:

Labcorp Genetics (formerly Invitae), Labcorp
Classification: Uncertain significance. Last evaluated: 2023-08-06. Review status: criteria provided, single submitter. Criteria: Invitae Variant Classification Sherloc (09022015). Collection method: clinical testing. Allele origin: germline.
Comment: This sequence change affects codon 175 of the PTHLH mRNA. It is a 'silent' change, meaning that it does not change the encoded amino acid sequence of the PTHLH protein. It affects a nucleotide within the consensus splice site. This variant is not present in population databases (gnomAD no frequency). This variant has not been reported in the literature in individuals affected with PTHLH-related conditions. Algorithms developed to predict the effect of sequence changes on RNA splicing suggest that this variant may create or strengthen a splice site. In summary, the available evidence is currently insufficient to determine the role of this variant in disease. Therefore, it has been classified as a Variant of Uncertain Significance.